The following is an entry in ClinVar:

NM_017617.5(NOTCH1):c.1918A>G (p.Ile640Val)

Gene: NOTCH1 (notch receptor 1; minus strand). Cytogenetic location: 9q34.3.
Variant type: single nucleotide variant.
Coding change: c.1918A>G on transcript NM_017617.5 (MANE Select); coding-DNA position 1918, A replaced by G.
Protein change: p.Ile640Val; replaces isoleucine 640 with valine.
Molecular consequence: missense variant.
Genome position (GRCh38, 1-based): chr9:136,515,386, T>C on the plus strand (A>G on the coding strand, the complement: NOTCH1 is on the minus strand). VCF-style: chr9-136515386-T-C. GRCh37 (hg19) VCF-style: chr9-139409838-T-C.
Other names: c.1918A>G, p.Ile640Val (LRG_1122t1); short protein forms I640V.
Identifiers: ClinVar variation 544182 (VCV000544182.8), dbSNP rs1307313338, ClinGen allele CA375559391.

ClinVar aggregate classification (germline): Uncertain significance (1 of 4 stars; one submission).

Conditions:
Adams-Oliver syndrome 5 (AOS5). Identifiers: Orphanet 974, MedGen C4014970, MONDO:0014459, OMIM 616028.

Allele frequency attached by ClinVar (database versions not stated): gnomAD exomes below 0.00001; TOPMed below 0.00001; gnomAD 0.00001.
gnomAD v4.1: 36 of 1,612,786 alleles (0.0022%); highest among the groups gnomAD compares: Non-Finnish European, 0.003%; no homozygotes.

Submission:

Labcorp Genetics (formerly Invitae), Labcorp
Classification: Uncertain significance for Adams-Oliver syndrome 5. Last evaluated: 2025-11-13. Review status: criteria provided, single submitter. Criteria: Invitae Variant Classification Sherloc (09022015). Collection method: clinical testing. Allele origin: germline.
Comment: This sequence change replaces isoleucine, which is neutral and non-polar, with valine, which is neutral and non-polar, at codon 640 of the NOTCH1 protein (p.Ile640Val). This variant is present in population databases (no rsID available, gnomAD 0.002%). This variant has not been reported in the literature in individuals affected with NOTCH1-related conditions. ClinVar contains an entry for this variant (Variation ID: 544182). Invitae Evidence Modeling of protein sequence and biophysical properties (such as structural, functional, and spatial information, amino acid conservation, physicochemical variation, residue mobility, and thermodynamic stability) indicates that this missense variant is not expected to disrupt NOTCH1 protein function with a negative predictive value of 80%. In summary, the available evidence is currently insufficient to determine the role of this variant in disease. Therefore, it has been classified as a Variant of Uncertain Significance.